The following is an entry in ClinVar:

NM_001378328.1(CELSR1):c.3984_4001dup (p.Pro1329_Thr1334dup)

Gene: CELSR1 (cadherin EGF LAG seven-pass G-type receptor 1; minus strand). Cytogenetic location: 22q13.31.
Variant type: Duplication.
Coding change: c.3984_4001dup on transcript NM_001378328.1 (MANE Select); coding-DNA positions 3984 to 4001, 18 bases duplicated (GCCCTTCCTCAGCTCCAC).
Protein change: p.Pro1329_Thr1334dup.
Molecular consequence: inframe insertion.
Genome position (GRCh38, 1-based): chr22:46,463,889-46,463,906, GTGGAGCTGAGGAAGGGC duplicated on the plus strand (GCCCTTCCTCAGCTCCAC on the coding strand, the reverse complement: CELSR1 is on the minus strand); duplicating any 18 consecutive bases within chr22:46,463,889-46,463,907 gives the same sequence; the c. name uses the placement nearest the transcript's 3' end. VCF-style (leftmost placement, unchanged base first): chr22-46463888-G-GGTGGAGCTGAGGAAGGGC. GRCh37 (hg19) VCF-style: chr22-46859785-G-GGTGGAGCTGAGGAAGGGC.
Other names: c.3984_4001dup, p.Pro1329_Thr1334dup (NM_014246.4); c.3984_4001dupGCCCTTCCTCAGCTCCAC (NM_014246.1).
Identifiers: ClinVar variation 424536 (VCV000424536.2), dbSNP rs1555923888, ClinGen allele CA16621131.

ClinVar aggregate classification (germline): Uncertain significance (1 of 4 stars; one submission).

Submission:

GeneDx
Classification: Uncertain significance. Last evaluated: 2018-05-14. Review status: criteria provided, single submitter. Criteria: GeneDx Variant Classification (06012015). Collection method: clinical testing. Allele origin: germline. Affected: yes.
Comment: The c.3984_4001dup18 variant in the CELSR1 gene has not been reported previously as a pathogenic variant nor as a benign variant, to our knowledge. This variant causes a duplication of six amino acids starting with codon Proline 1329, denoted p.Pro1329_Thr1334dup. This variant is not observed in large population cohorts (Lek et al., 2016; 1000 Genomes Consortium et al., 2015; Exome Variant Server). We interpret c.3984_4001dup18 as a variant of uncertain significance.